The following is an entry in ClinVar:

ClinVar aggregate classification (germline): Uncertain significance (1 of 4 stars; one submission).

gnomAD v4.1: 1 of 1,614,196 alleles (0.000062%); highest among the groups gnomAD compares: Non-Finnish European, 0.000085%; no homozygotes.

Submission:

GeneDx
Classification: Uncertain significance. Last evaluated: 2024-07-11. Review status: criteria provided, single submitter. Criteria: GeneDx Variant Classification Process June 2021. Collection method: clinical testing. Allele origin: germline. Affected: yes.
Comment: Not observed at significant frequency in large population cohorts (gnomAD); In silico analysis indicates that this missense variant does not alter protein structure/function; Has not been previously published as pathogenic or benign to our knowledge

NM_182931.3(KMT2E):c.4147A>G (p.Thr1383Ala)

Gene: KMT2E (lysine methyltransferase 2E (inactive); plus strand). Cytogenetic location: 7q22.3.
Variant type: single nucleotide variant.
Coding change: c.4147A>G on transcript NM_182931.3 (MANE Select); coding-DNA position 4147, A replaced by G.
Protein change: p.Thr1383Ala; replaces threonine 1383 with alanine.
Molecular consequence: missense variant.
Genome position (GRCh38, 1-based): chr7:105,111,903, A>G. VCF-style: chr7-105111903-A-G. GRCh37 (hg19) VCF-style: chr7-104752350-A-G.
Other names: c.4021A>G, p.Thr1341Ala (NM_001410908.1); c.4147A>G, p.Thr1383Ala (NM_018682.4); short protein forms T1341A, T1383A.
Identifiers: ClinVar variation 3572847 (VCV003572847.1).